The following is an entry in ClinVar:

NM_003743.5(NCOA1):c.808+6A>G

Gene: NCOA1 (nuclear receptor coactivator 1; plus strand). Cytogenetic location: 2p23.3.
Variant type: single nucleotide variant.
Coding change: c.808+6A>G on transcript NM_003743.5 (MANE Select); 6 bases into the intron after coding-DNA position 808, A replaced by G.
Molecular consequence: intron variant.
Genome position (GRCh38, 1-based): chr2:24,693,353, A>G. VCF-style: chr2-24693353-A-G. GRCh37 (hg19) VCF-style: chr2-24916222-A-G.
Other names: c.808+6A>G (NM_001362950.1, NM_147223.3, NM_001362955.1 and 3 more transcripts).
Identifiers: ClinVar variation 4987140 (VCV004987140.1).

ClinVar aggregate classification (germline): Likely benign (1 of 4 stars; one submission).

Conditions:
NCOA1-related disorder. Also called: NCOA1-related condition.

gnomAD v4.1: 9 of 1,608,054 alleles (0.00056%); highest among the groups gnomAD compares: South Asian, 0.0077%; no homozygotes.

Submission:

PreventionGenetics, part of Exact Sciences
Classification: Likely benign for NCOA1-related condition. Last evaluated: 2025-03-05. Review status: criteria provided, single submitter. Criteria: ACMG Guidelines, 2015. Collection method: clinical testing. Allele origin: germline.
Comment: This variant is classified as likely benign based on ACMG/AMP sequence variant interpretation guidelines (Richards et al. 2015 PMID: 25741868, with internal and published modifications).